The following is an entry in ClinVar:

ClinVar aggregate classification (germline): Pathogenic (1 of 4 stars; one submission).

Conditions:
Duchenne muscular dystrophy (DMD). Also called: MUSCULAR DYSTROPHY, PSEUDOHYPERTROPHIC PROGRESSIVE, DUCHENNE TYPE; Duchenne Muscular Dystrophy (DMD). Identifiers: Orphanet 98896, MedGen C0013264, MONDO:0010679, OMIM 310200.

Submission:

Labcorp Genetics (formerly Invitae), Labcorp
Classification: Pathogenic for Duchenne muscular dystrophy. Last evaluated: 2023-06-14. Review status: criteria provided, single submitter. Criteria: Invitae Variant Classification Sherloc (09022015). Collection method: clinical testing. Allele origin: unknown.
Comment: For these reasons, this variant has been classified as Pathogenic. A similar copy number variant has been observed in individual(s) with Duchenne muscular dystrophy (PMID: 21515508). This variant is a gross deletion of the genomic region encompassing exon(s) 8-42 of the DMD gene. This deletion is out-of-frame, and is expected to create a premature termination codon and result in an absent or disrupted protein product. Loss-of-function variants in DMD are known to be pathogenic (PMID: 16770791, 25007885).

Literature cited by the submitters: PubMed 21515508; PubMed 16770791; PubMed 25007885.

NC_000023.10:g.(?_32328179)_(32756908_?)del

Gene: DMD (dystrophin; minus strand). Cytogenetic location: Xp21.1.
Variant type: Deletion.
Identifiers: ClinVar variation 3242624 (VCV003242624.1).